The following is an entry in ClinVar:

NM_001369.3(DNAH5):c.1089C>T (p.Pro363=)

Gene: DNAH5 (dynein axonemal heavy chain 5; minus strand). Cytogenetic location: 5p15.2.
Variant type: single nucleotide variant.
Coding change: c.1089C>T on transcript NM_001369.3 (MANE Select); coding-DNA position 1089, C replaced by T.
Protein change: p.Pro363=; no amino-acid change (proline 363 retained).
Molecular consequence: synonymous variant.
Genome position (GRCh38, 1-based): chr5:13,917,143, G>A on the plus strand (C>T on the coding strand, the complement: DNAH5 is on the minus strand). VCF-style: chr5-13917143-G-A. GRCh37 (hg19) VCF-style: chr5-13917252-G-A.
Identifiers: ClinVar variation 1932363 (VCV001932363.2), dbSNP rs763797137, ClinGen allele CA3204975.

ClinVar aggregate classification (germline): Uncertain significance (1 of 4 stars; one submission).

Conditions:
Primary ciliary dyskinesia. Also called: Ciliary dyskinesia. Identifiers: Orphanet 244, MedGen C0008780, MONDO:0016575, HP:0012265.

Allele frequency attached by ClinVar (database versions not stated): gnomAD 0.00003.
gnomAD v4.1: 27 of 1,608,310 alleles (0.0017%); highest among the groups gnomAD compares: African/African-American, 0.0067%; no homozygotes.

Submission:

Labcorp Genetics (formerly Invitae), Labcorp
Classification: Uncertain significance for Primary ciliary dyskinesia. Last evaluated: 2022-06-19. Review status: criteria provided, single submitter. Criteria: Invitae Variant Classification Sherloc (09022015). Collection method: clinical testing. Allele origin: germline.
Comment: This sequence change affects codon 363 of the DNAH5 mRNA. It is a 'silent' change, meaning that it does not change the encoded amino acid sequence of the DNAH5 protein. It affects a nucleotide within the consensus splice site. This variant is present in population databases (rs763797137, gnomAD 0.004%). This variant has not been reported in the literature in individuals affected with DNAH5-related conditions. Algorithms developed to predict the effect of sequence changes on RNA splicing suggest that this variant is not likely to affect RNA splicing. In summary, the available evidence is currently insufficient to determine the role of this variant in disease. Therefore, it has been classified as a Variant of Uncertain Significance.